The following is an entry in ClinVar:

NM_001384140.1(PCDH15):c.4319C>G (p.Pro1440Arg)

Gene: PCDH15 (protocadherin related 15; minus strand). Cytogenetic location: 10q21.1.
Variant type: single nucleotide variant.
Coding change: c.4319C>G on transcript NM_001384140.1 (MANE Select); coding-DNA position 4319, C replaced by G.
Protein change: p.Pro1440Arg; replaces proline 1440 with arginine.
Molecular consequence: missense variant.
Genome position (GRCh38, 1-based): chr10:53,827,441, G>C on the plus strand (C>G on the coding strand, the complement: PCDH15 is on the minus strand). VCF-style: chr10-53827441-G-C. GRCh37 (hg19) VCF-style: chr10-55587201-G-C.
Other names: c.4334C>G, p.Pro1445Arg (NM_001142763.2, NM_001142771.2); c.4319C>G, p.Pro1440Arg (NM_001142764.2, NM_001142770.3, NM_001142772.2 and 3 more transcripts); c.4106C>G, p.Pro1369Arg (NM_001142765.2); c.4310C>G, p.Pro1437Arg (NM_001142766.2); c.4199C>G, p.Pro1400Arg (NM_001142767.2); c.4253C>G, p.Pro1418Arg (NM_001142768.2, NM_001354404.2); c.4355C>G, p.Pro1452Arg (NM_001142769.4); c.4244C>G, p.Pro1415Arg (NM_001142773.2); and 1 more; short protein forms P1418R, P1437R, P1447R, P1452R, P1400R, P1445R, P1369R, P1415R.
Identifiers: ClinVar variation 935772 (VCV000935772.6), dbSNP rs764173741, ClinGen allele CA376527651.

ClinVar aggregate classification (germline): Uncertain significance (1 of 4 stars; one submission).

gnomAD v4.1: 1 of 1,612,962 alleles (0.000062%); highest among the groups gnomAD compares: Admixed American, 0.0017%; no homozygotes.

Submission:

Labcorp Genetics (formerly Invitae), Labcorp
Classification: Uncertain significance. Last evaluated: 2021-08-30. Review status: criteria provided, single submitter. Criteria: Invitae Variant Classification Sherloc (09022015). Collection method: clinical testing. Allele origin: germline.
Comment: This sequence change replaces proline with arginine at codon 1440 of the PCDH15 protein (p.Pro1440Arg). The proline residue is moderately conserved and there is a moderate physicochemical difference between proline and arginine. This variant is not present in population databases (ExAC no frequency). This variant has not been reported in the literature in individuals affected with PCDH15-related conditions. Algorithms developed to predict the effect of missense changes on protein structure and function are either unavailable or do not agree on the potential impact of this missense change (SIFT: "Tolerated"; PolyPhen-2: "Possibly Damaging"; Align-GVGD: "Class C0"). In summary, the available evidence is currently insufficient to determine the role of this variant in disease. Therefore, it has been classified as a Variant of Uncertain Significance.